The following is an entry in ClinVar:

ClinVar aggregate classification (germline): Conflicting classifications of pathogenicity. Review status: criteria provided, conflicting classifications (1 of 4 stars). 2 submissions from 2 submitters: Uncertain significance (1); Likely benign (1). Last evaluated 2025-08-20.

Conditions:
Inborn genetic diseases. Identifiers: MedGen C0950123, MeSH D030342.

Submissions (2):

Ambry Genetics
Classification: Likely benign for Inborn genetic diseases. Last evaluated: 2025-08-20. Review status: criteria provided, single submitter. Criteria: Ambry Variant Classification Scheme 2023. Collection method: clinical testing. Allele origin: germline.

GeneDx
Classification: Uncertain significance. Last evaluated: 2024-08-25. Review status: criteria provided, single submitter. Criteria: GeneDx Variant Classification Process June 2021. Collection method: clinical testing. Allele origin: germline. Affected: yes.
Comment: In silico analysis indicates that this missense variant does not alter protein structure/function; Has not been previously published as pathogenic or benign to our knowledge

NM_021095.4(SLC5A6):c.1181G>A (p.Arg394Gln)

Gene: SLC5A6 (solute carrier family 5 member 6; minus strand). Cytogenetic location: 2p23.3.
Variant type: single nucleotide variant.
Coding change: c.1181G>A on transcript NM_021095.4 (MANE Select); coding-DNA position 1181, G replaced by A.
Protein change: p.Arg394Gln; replaces arginine 394 with glutamine.
Molecular consequence: missense variant. On other transcripts: non-coding transcript variant (1).
Genome position (GRCh38, 1-based): chr2:27,203,259, C>T on the plus strand (G>A on the coding strand, the complement: SLC5A6 is on the minus strand). VCF-style: chr2-27203259-C-T. GRCh37 (hg19) VCF-style: chr2-27426127-C-T.
Other names: short protein forms R394Q.
Identifiers: ClinVar variation 3766341 (VCV003766341.2).